The following is an entry in ClinVar:

NM_003322.6(TULP1):c.1010T>C (p.Leu337Ser)

Gene: TULP1 (TUB like protein 1; minus strand). Cytogenetic location: 6p21.31.
Variant type: single nucleotide variant.
Coding change: c.1010T>C on transcript NM_003322.6 (MANE Select); coding-DNA position 1010, T replaced by C.
Protein change: p.Leu337Ser; replaces leucine 337 with serine.
Molecular consequence: missense variant.
Genome position (GRCh38, 1-based): chr6:35,505,843, A>G on the plus strand (T>C on the coding strand, the complement: TULP1 is on the minus strand). VCF-style: chr6-35505843-A-G. GRCh37 (hg19) VCF-style: chr6-35473620-A-G.
Other names: c.851T>C, p.Leu284Ser (NM_001289395.2); short protein forms L284S, L337S.
Identifiers: ClinVar variation 1484399 (VCV001484399.9), dbSNP rs749227332, ClinGen allele CA3772709.

ClinVar aggregate classification (germline): Uncertain significance. Review status: criteria provided, single submitter (1 of 4 stars). 2 submissions from 2 submitters: Uncertain significance (1). 1 of the submissions does not count toward it. Last evaluated 2022-06-27.

Conditions:
Retinal dystrophy. Also called: Inherited retinal dystrophy. Identifiers: Orphanet 71862, MedGen C0854723, MeSH D058499, MONDO:0019118, HP:0000556.

Allele frequency attached by ClinVar (database versions not stated): gnomAD exomes below 0.00001; ExAC 0.00001.
gnomAD v4.1: 7 of 1,614,172 alleles (0.00043%); highest among the groups gnomAD compares: African/African-American, 0.0013%; no homozygotes.

Submissions (2):

Labcorp Genetics (formerly Invitae), Labcorp
Classification: Uncertain significance. Last evaluated: 2022-06-27. Review status: criteria provided, single submitter. Criteria: Invitae Variant Classification Sherloc (09022015). Collection method: clinical testing. Allele origin: germline.
Comment: In summary, the available evidence is currently insufficient to determine the role of this variant in disease. Therefore, it has been classified as a Variant of Uncertain Significance. Algorithms developed to predict the effect of missense changes on protein structure and function are either unavailable or do not agree on the potential impact of this missense change (SIFT: "Not Available"; PolyPhen-2: "Probably Damaging"; Align-GVGD: "Not Available"). This variant has not been reported in the literature in individuals affected with TULP1-related conditions. This variant is present in population databases (rs749227332, gnomAD 0.0009%). This sequence change replaces leucine, which is neutral and non-polar, with serine, which is neutral and polar, at codon 337 of the TULP1 protein (p.Leu337Ser).

Institute of Human Genetics, Univ. Regensburg, Univ. Regensburg
Classification: Likely pathogenic for Retinal dystrophy. Last evaluated: 2012-01-01. Review status: no assertion criteria provided. Criteria: ACMG Guidelines, 2015. Collection method: clinical testing. Allele origin: germline. Affected: yes. Not counted in ClinVar's aggregate classification.